The following is an entry in ClinVar:

NM_182914.3(SYNE2):c.6601G>A (p.Glu2201Lys)

Gene: SYNE2 (spectrin repeat containing nuclear envelope protein 2; plus strand). Cytogenetic location: 14q23.2.
Variant type: single nucleotide variant.
Coding change: c.6601G>A on transcript NM_182914.3 (MANE Select); coding-DNA position 6601, G replaced by A.
Protein change: p.Glu2201Lys; replaces glutamic acid 2201 with lysine.
Molecular consequence: missense variant.
Genome position (GRCh38, 1-based): chr14:64,027,680, G>A. VCF-style: chr14-64027680-G-A. GRCh37 (hg19) VCF-style: chr14-64494398-G-A.
Other names: c.6601G>A, p.Glu2201Lys (NM_015180.6); short protein forms E2201K.
Identifiers: ClinVar variation 2889722 (VCV002889722.3), dbSNP rs762264572, ClinGen allele CA7220730.

ClinVar aggregate classification (germline): Uncertain significance (1 of 4 stars; one submission).

Conditions:
Emery-Dreifuss muscular dystrophy 5, autosomal dominant (EDMD5). Also called: EMERY-DREIFUSS MUSCULAR DYSTROPHY 5. Identifiers: Orphanet 261, MedGen C2751805, MONDO:0013072, OMIM 612999.

Allele frequency attached by ClinVar (database versions not stated): gnomAD exomes below 0.00001; ExAC 0.00002.
gnomAD v4.1: 2 of 1,614,084 alleles (0.00012%); highest among the groups gnomAD compares: Admixed American, 0.0033%; no homozygotes.

Submission:

Labcorp Genetics (formerly Invitae), Labcorp
Classification: Uncertain significance for Emery-Dreifuss muscular dystrophy 5, autosomal dominant. Last evaluated: 2023-12-15. Review status: criteria provided, single submitter. Criteria: Invitae Variant Classification Sherloc (09022015). Collection method: clinical testing. Allele origin: germline.
Comment: This sequence change replaces glutamic acid, which is acidic and polar, with lysine, which is basic and polar, at codon 2201 of the SYNE2 protein (p.Glu2201Lys). This variant is present in population databases (rs762264572, gnomAD 0.006%). This variant has not been reported in the literature in individuals affected with SYNE2-related conditions. An algorithm developed to predict the effect of missense changes on protein structure and function (PolyPhen-2) suggests that this variant is likely to be disruptive. In summary, the available evidence is currently insufficient to determine the role of this variant in disease. Therefore, it has been classified as a Variant of Uncertain Significance.